The following is an entry in ClinVar:

ClinVar aggregate classification (germline): Uncertain significance (1 of 4 stars; one submission).

Conditions:
FG syndrome (FGS). Identifiers: MedGen C0220769, MONDO:0002010.

Submission:

Labcorp Genetics (formerly Invitae), Labcorp
Classification: Uncertain significance for FG syndrome. Last evaluated: 2024-12-18. Review status: criteria provided, single submitter. Criteria: Invitae Variant Classification Sherloc (09022015). Collection method: clinical testing. Allele origin: germline.
Comment: This sequence change replaces proline, which is neutral and non-polar, with serine, which is neutral and polar, at codon 1982 of the MED12 protein (p.Pro1982Ser). This variant is present in population databases (no rsID available, gnomAD 0.001%). This variant has not been reported in the literature in individuals affected with MED12-related conditions. Invitae Evidence Modeling of protein sequence and biophysical properties (such as structural, functional, and spatial information, amino acid conservation, physicochemical variation, residue mobility, and thermodynamic stability) has been performed for this missense variant. However, the output from this modeling did not meet the statistical confidence thresholds required to predict the impact of this variant on MED12 protein function. In summary, the available evidence is currently insufficient to determine the role of this variant in disease. Therefore, it has been classified as a Variant of Uncertain Significance.

NM_005120.3(MED12):c.5944C>T (p.Pro1982Ser)

Gene: MED12 (mediator complex subunit 12; plus strand). Cytogenetic location: Xq13.1.
Variant type: single nucleotide variant.
Coding change: c.5944C>T on transcript NM_005120.3 (MANE Select); coding-DNA position 5944, C replaced by T.
Protein change: p.Pro1982Ser; replaces proline 1982 with serine.
Molecular consequence: missense variant.
Genome position (GRCh38, 1-based): chrX:71,137,843, C>T. VCF-style: chrX-71137843-C-T. GRCh37 (hg19) VCF-style: chrX-70357693-C-T.
Other names: short protein forms P1982S.
Identifiers: ClinVar variation 3706240 (VCV003706240.2).